The following is an entry in ClinVar:

NM_001035.3(RYR2):c.8651A>G (p.Lys2884Arg)

Gene: RYR2 (ryanodine receptor 2; plus strand). Cytogenetic location: 1q43.
Variant type: single nucleotide variant.
Coding change: c.8651A>G on transcript NM_001035.3 (MANE Select); coding-DNA position 8651, A replaced by G.
Protein change: p.Lys2884Arg; replaces lysine 2884 with arginine.
Molecular consequence: missense variant.
Genome position (GRCh38, 1-based): chr1:237,674,156, A>G. VCF-style: chr1-237674156-A-G. GRCh37 (hg19) VCF-style: chr1-237837456-A-G.
Other names: short protein forms K2884R.
Identifiers: ClinVar variation 3073467 (VCV003073467.2), dbSNP rs2547213361, ClinGen allele CA345403033.
Genomic context (GRCh38, chr1:237,674,156, plus strand): 5'-GAGGAGGAAACCATCCTCTGCTGGTGCCCTATGATACACTGACAGCCAAAGAGAAAGCCA[A>G]GGATAGAGAAAAAGCACAGGACATCCTCAAGTTCTTGCAGATCAATGGATATGCTGTATC-3'
Protein context (NP_001026.2, residues 2874-2894): YDTLTAKEKA[Lys2884Arg]DREKAQDILK

ClinVar aggregate classification (germline): Uncertain significance. Review status: criteria provided, multiple submitters, no conflicts (2 of 4 stars). 2 submissions from 2 submitters: Uncertain significance (2). Last evaluated 2026-01-12.

Conditions:
Catecholaminergic polymorphic ventricular tachycardia (CVPT). Also called: Catecholamine-induced polymorphic ventricular tachycardia. Identifiers: Orphanet 3286, MedGen C5574922, MONDO:0017990.
Catecholaminergic polymorphic ventricular tachycardia 1. Also called: VENTRICULAR TACHYCARDIA, CATECHOLAMINERGIC POLYMORPHIC, 1, WITH OR WITHOUT ATRIAL DYSFUNCTION AND/OR DILATED CARDIOMYOPATHY; RYR2-Related Catecholaminergic Polymorphic Ventricular Tachycardia; VENTRICULAR TACHYCARDIA, STRESS-INDUCED POLYMORPHIC 1. Identifiers: Orphanet 3286, MedGen C1631597, MONDO:0011484, OMIM 604772.

Submissions (2):

Labcorp Genetics (formerly Invitae), Labcorp
Classification: Uncertain significance for Catecholaminergic polymorphic ventricular tachycardia 1. Last evaluated: 2026-01-12. Review status: criteria provided, single submitter. Criteria: Invitae Variant Classification Sherloc (09022015). Collection method: clinical testing. Allele origin: germline.
Comment: This sequence change replaces lysine, which is basic and polar, with arginine, which is basic and polar, at codon 2884 of the RYR2 protein (p.Lys2884Arg). This variant is not present in population databases (gnomAD no frequency). This variant has not been reported in the literature in individuals affected with RYR2-related conditions. ClinVar contains an entry for this variant (Variation ID: 3073467). Invitae Evidence Modeling of protein sequence and biophysical properties (such as structural, functional, and spatial information, amino acid conservation, physicochemical variation, residue mobility, and thermodynamic stability) indicates that this missense variant is not expected to disrupt RYR2 protein function with a negative predictive value of 95%. In summary, the available evidence is currently insufficient to determine the role of this variant in disease. Therefore, it has been classified as a Variant of Uncertain Significance.

All of Us Research Program, National Institutes of Health
Classification: Uncertain significance for Catecholaminergic polymorphic ventricular tachycardia. Last evaluated: 2023-09-17. Review status: criteria provided, single submitter. Criteria: ACMG Guidelines, 2015. Collection method: clinical testing. Allele origin: germline. Inheritance: Autosomal dominant inheritance. Observed: 1 variant allele, 1 heterozygote.
Comment: This missense variant replaces lysine with arginine at codon 2884 of the RYR2 protein. Computational prediction suggests that this variant may not impact protein structure and function (internally defined REVEL score threshold <= 0.5, PMID: 27666373). To our knowledge, functional studies have not been reported for this variant. This variant has not been reported in individuals affected with RYR2-related disorders in the literature. This variant has not been identified in the general population by the Genome Aggregation Database (gnomAD). The available evidence is insufficient to determine the role of this variant in disease conclusively. Therefore, this variant is classified as a Variant of Uncertain Significance.

This study involves interpretation of variants in research participants for the purpose of population health screening. Participant phenotype was not available at the time of variant classification. Additional details can be found in publication PMID: 35346344, PMCID: PMC8962531